The following is an entry in ClinVar:

ClinVar aggregate classification (germline): Uncertain significance. Review status: criteria provided, single submitter (1 of 4 stars). 2 submissions from 2 submitters: Uncertain significance (1). 1 of the submissions does not count toward it. Last evaluated 2018-01-13.

Conditions:
PNPLA6-related disorder. Also called: PNPLA6-related disorders; PNPLA6-related condition.
Hereditary spastic paraplegia 39 (SPG39). Also called: Spastic Paraplegia Type 39 (SPG39); SPASTIC PARAPLEGIA 39, AUTOSOMAL RECESSIVE. Identifiers: Orphanet 139480, MedGen C2677586, MONDO:0012787, OMIM 612020.

Allele frequency attached by ClinVar (database versions not stated): gnomAD exomes 0.00002; ExAC 0.00003.

Submissions (2):

Illumina Laboratory Services, Illumina
Classification: Uncertain significance for Hereditary spastic paraplegia 39. Last evaluated: 2018-01-13. Review status: criteria provided, single submitter. Criteria: ICSL Variant Classification Criteria 13 December 2019. Collection method: clinical testing. Allele origin: germline.

PreventionGenetics, part of Exact Sciences
Classification: Uncertain significance for PNPLA6-related condition. Last evaluated: 2024-07-29. Review status: no assertion criteria provided. Collection method: clinical testing. Allele origin: germline. Not counted in ClinVar's aggregate classification.
Comment: The PNPLA6 c.2643C>A variant is predicted to result in the amino acid substitution p.Asp881Glu. To our knowledge, this variant has not been reported in the literature. This variant is reported in 0.013% of alleles in individuals of South Asian descent in gnomAD. At this time, the clinical significance of this variant is uncertain due to the absence of conclusive functional and genetic evidence.

NM_001166114.2(PNPLA6):c.2613C>A (p.Asp871Glu)

Gene: PNPLA6 (patatin like domain 6, lysophospholipase; plus strand). Cytogenetic location: 19p13.2.
Variant type: single nucleotide variant.
Coding change: c.2613C>A on transcript NM_001166114.2 (MANE Select); coding-DNA position 2613, C replaced by A.
Protein change: p.Asp871Glu; replaces aspartic acid 871 with glutamic acid.
Molecular consequence: missense variant.
Genome position (GRCh38, 1-based): chr19:7,554,702, C>A. VCF-style: chr19-7554702-C-A. GRCh37 (hg19) VCF-style: chr19-7619588-C-A.
Other names: c.2643C>A (NM_001166111.1); c.2643C>A, p.Asp881Glu (NM_001166111.2); c.2418C>A, p.Asp806Glu (NM_001166112.2); c.2499C>A, p.Asp833Glu (NM_001166113.1, NM_006702.5); short protein forms D833E, D881E, D806E, D871E.
Identifiers: ClinVar variation 330529 (VCV000330529.6), dbSNP rs775179789, ClinGen allele CA9140164.